The following is an entry in ClinVar:

ClinVar aggregate classification (germline): Uncertain significance. Review status: criteria provided, multiple submitters, no conflicts (2 of 4 stars). 3 submissions from 3 submitters: Uncertain significance (3). Last evaluated 2024-08-20.

Conditions:
Inborn genetic diseases. Identifiers: MedGen C0950123, MeSH D030342.
Mitochondrial trifunctional protein deficiency. Identifiers: Orphanet 746, MedGen C1969443, MONDO:0012172.

Allele frequency attached by ClinVar (database versions not stated): ExAC 0.00003; gnomAD 0.00005 and 0.00006; gnomAD exomes 0.00006 and 0.00012; ESP Exome Variant Server 0.00008; TOPMed 0.00012.

Submissions (3):

Ambry Genetics
Classification: Uncertain significance for Inborn genetic diseases. Last evaluated: 2024-08-20. Review status: criteria provided, single submitter. Criteria: Ambry Variant Classification Scheme 2023. Collection method: clinical testing. Allele origin: germline.

Mayo Clinic Laboratories, Mayo Clinic
Classification: Uncertain significance. Last evaluated: 2024-05-31. Review status: criteria provided, single submitter. Criteria: ACMG Guidelines, 2015. Collection method: clinical testing. Allele origin: germline. Observed: 1 variant allele.
Comment: PP3

Labcorp Genetics (formerly Invitae), Labcorp
Classification: Uncertain significance for Mitochondrial trifunctional protein deficiency. Last evaluated: 2022-09-27. Review status: criteria provided, single submitter. Criteria: Invitae Variant Classification Sherloc (09022015). Collection method: clinical testing. Allele origin: germline.
Comment: This sequence change replaces arginine, which is basic and polar, with histidine, which is basic and polar, at codon 282 of the HADHB protein (p.Arg282His). This variant is present in population databases (rs140355426, gnomAD 0.01%). This variant has not been reported in the literature in individuals affected with HADHB-related conditions. ClinVar contains an entry for this variant (Variation ID: 1513753). Advanced modeling of protein sequence and biophysical properties (such as structural, functional, and spatial information, amino acid conservation, physicochemical variation, residue mobility, and thermodynamic stability) performed at Invitae indicates that this missense variant is expected to disrupt HADHB protein function. In summary, the available evidence is currently insufficient to determine the role of this variant in disease. Therefore, it has been classified as a Variant of Uncertain Significance.

NM_000183.3(HADHB):c.845G>A (p.Arg282His)

Gene: HADHB (hydroxyacyl-CoA dehydrogenase trifunctional multienzyme complex subunit beta; plus strand). Cytogenetic location: 2p23.3.
Variant type: single nucleotide variant.
Coding change: c.845G>A on transcript NM_000183.3 (MANE Select); coding-DNA position 845, G replaced by A.
Protein change: p.Arg282His; replaces arginine 282 with histidine.
Molecular consequence: missense variant.
Genome position (GRCh38, 1-based): chr2:26,280,027, G>A. VCF-style: chr2-26280027-G-A. GRCh37 (hg19) VCF-style: chr2-26502895-G-A.
Other names: p.Arg282His; c.800G>A, p.Arg267His (NM_001281512.2); c.779G>A, p.Arg260His (NM_001281513.2); c.845G>A (NM_000183.2); short protein forms R282H, R260H, R267H.
Identifiers: ClinVar variation 1513753 (VCV001513753.7), dbSNP rs140355426, ClinGen allele CA1560358.